The following is an entry in ClinVar:

NM_133433.4(NIPBL):c.321C>G (p.Phe107Leu)

Gene: NIPBL (NIPBL cohesin loading factor; plus strand). Cytogenetic location: 5p13.2.
Variant type: single nucleotide variant.
Coding change: c.321C>G on transcript NM_133433.4 (MANE Select); coding-DNA position 321, C replaced by G.
Protein change: p.Phe107Leu; replaces phenylalanine 107 with leucine.
Molecular consequence: missense variant.
Genome position (GRCh38, 1-based): chr5:36,958,194, C>G. VCF-style: chr5-36958194-C-G. GRCh37 (hg19) VCF-style: chr5-36958296-C-G.
Other names: c.321C>G, p.Phe107Leu (NM_001438586.1, NM_015384.5); short protein forms F107L.
Identifiers: ClinVar variation 4999128 (VCV004999128.1).
Genomic context (GRCh38, chr5:36,958,194, plus strand): 5'-CCCAGAAGGTGACATACCAGTCTTGTTGCAGGCCGTCCTGGCAAGGAGTCCTAATGTTTT[C>G]AGGGAGAAAAGCATGCAGAACAGATATGTACAAAGTGGTGAGTTTCTTAATAACTGAATT-3'
Protein context (NP_597677.2, residues 97-117): QAVLARSPNV[Phe107Leu]REKSMQNRYV

ClinVar aggregate classification (germline): Uncertain significance (1 of 4 stars; one submission).

Conditions:
NIPBL-related disorder. Also called: NIPBL-related condition.

gnomAD v4.1: 5 of 1,613,816 alleles (0.00031%); highest among the groups gnomAD compares: East Asian, 0.0022%; no homozygotes.

Submission:

PreventionGenetics, part of Exact Sciences
Classification: Uncertain significance for NIPBL-related condition. Last evaluated: 2025-07-02. Review status: criteria provided, single submitter. Criteria: ACMG Guidelines, 2015. Collection method: clinical testing. Allele origin: germline.
Comment: The NIPBL c.321C>G variant is predicted to result in the amino acid substitution p.Phe107Leu. To our knowledge, this variant has not been reported in the literature. This variant is reported in 0.0055% of alleles in individuals of East Asian descent in gnomAD. At this time, the clinical significance of this variant is uncertain due to the absence of conclusive functional and genetic evidence.